The following is an entry in ClinVar:

ClinVar aggregate classification (germline): Uncertain significance (1 of 4 stars; one submission).

Conditions:
Symmetrical dyschromatosis of extremities (DSH). Also called: DYSCHROMATOSIS SYMMETRICA HEREDITARIA 1; RETICULATE ACROPIGMENTATION OF DOHI; SYMMETRIC DYSCHROMATOSIS OF THE EXTREMITIES; Dyschromatosis symmetrica hereditaria. Identifiers: Orphanet 41, MedGen C0406775, MONDO:0007483, OMIM 127400.
Aicardi-Goutieres syndrome 6 (AGS6). Identifiers: Orphanet 51, MedGen C3539013, MONDO:0014007, OMIM 615010.

gnomAD v4.1: 1 of 1,612,598 alleles (0.000062%); highest among the groups gnomAD compares: Non-Finnish European, 0.000085%; no homozygotes.

Submission:

Labcorp Genetics (formerly Invitae), Labcorp
Classification: Uncertain significance for Aicardi-Goutieres syndrome 6; Symmetrical dyschromatosis of extremities. Last evaluated: 2024-12-18. Review status: criteria provided, single submitter. Criteria: Invitae Variant Classification Sherloc (09022015). Collection method: clinical testing. Allele origin: germline.
Comment: This sequence change replaces glutamic acid, which is acidic and polar, with glycine, which is neutral and non-polar, at codon 361 of the ADAR protein (p.Glu361Gly). This variant is not present in population databases (gnomAD no frequency). This variant has not been reported in the literature in individuals affected with ADAR-related conditions. Invitae Evidence Modeling of protein sequence and biophysical properties (such as structural, functional, and spatial information, amino acid conservation, physicochemical variation, residue mobility, and thermodynamic stability) indicates that this missense variant is not expected to disrupt ADAR protein function with a negative predictive value of 80%. In summary, the available evidence is currently insufficient to determine the role of this variant in disease. Therefore, it has been classified as a Variant of Uncertain Significance.

NM_001111.5(ADAR):c.1082A>G (p.Glu361Gly)

Gene: ADAR (adenosine deaminase RNA specific; minus strand). Cytogenetic location: 1q21.3.
Variant type: single nucleotide variant.
Coding change: c.1082A>G on transcript NM_001111.5 (MANE Select); coding-DNA position 1082, A replaced by G.
Protein change: p.Glu361Gly; replaces glutamic acid 361 with glycine.
Molecular consequence: missense variant.
Genome position (GRCh38, 1-based): chr1:154,601,560, T>C on the plus strand (A>G on the coding strand, the complement: ADAR is on the minus strand). VCF-style: chr1-154601560-T-C. GRCh37 (hg19) VCF-style: chr1-154574036-T-C.
Other names: c.197A>G, p.Glu66Gly (NM_001025107.3, NM_001193495.2, NM_001365046.1 and 3 more transcripts); c.1109A>G, p.Glu370Gly (NM_001365045.1); c.1082A>G, p.Glu361Gly (NM_015840.4, NM_015841.4); short protein forms E361G, E370G, E66G.
Identifiers: ClinVar variation 3758416 (VCV003758416.2).